The following is an entry in ClinVar:

ClinVar aggregate classification (germline): Uncertain significance (1 of 4 stars; one submission).

Conditions:
SEMA3A-related disorder. Also called: SEMA3A-related condition.

Allele frequency attached by ClinVar (database versions not stated): TOPMed 0.00002; gnomAD 0.00003; ExAC 0.00004; gnomAD exomes 0.00004; ESP Exome Variant Server 0.00008; 1000 Genomes Project 30x 0.00031.
gnomAD v4.1: 65 of 1,606,152 alleles (0.004%); highest among the groups gnomAD compares: South Asian, 0.024%; no homozygotes.

Submission:

PreventionGenetics, part of Exact Sciences
Classification: Uncertain significance for SEMA3A-related condition. Last evaluated: 2025-12-02. Review status: criteria provided, single submitter. Criteria: ACMG Guidelines, 2015. Collection method: clinical testing. Allele origin: germline.
Comment: The SEMA3A c.986C>T variant is predicted to result in the amino acid substitution p.Thr329Met. To our knowledge, this variant has not been reported in the literature. This variant is reported in 0.020% of alleles in individuals of South Asian descent in gnomAD, which may be too common to be a primary cause of disease. Although we suspect that this variant may be benign, at this time, the clinical significance of this variant is uncertain due to the absence of conclusive functional and genetic evidence.

NM_006080.3(SEMA3A):c.986C>T (p.Thr329Met)

Gene: SEMA3A (semaphorin 3A; minus strand). Cytogenetic location: 7q21.11.
Variant type: single nucleotide variant.
Coding change: c.986C>T on transcript NM_006080.3 (MANE Select); coding-DNA position 986, C replaced by T.
Protein change: p.Thr329Met; replaces threonine 329 with methionine.
Molecular consequence: missense variant.
Genome position (GRCh38, 1-based): chr7:84,011,031, G>A on the plus strand (C>T on the coding strand, the complement: SEMA3A is on the minus strand). VCF-style: chr7-84011031-G-A. GRCh37 (hg19) VCF-style: chr7-83640347-G-A.
Other names: short protein forms T329M.
Identifiers: ClinVar variation 3030456 (VCV003030456.3), dbSNP rs149953379, ClinGen allele CA4322874.